The following is an entry in ClinVar:

ClinVar aggregate classification (germline): Conflicting classifications of pathogenicity. Review status: criteria provided, conflicting classifications (1 of 4 stars). 5 submissions from 5 submitters: Uncertain significance (2); Likely benign (3). Last evaluated 2026-01-13.

Conditions:
TTN-related disorder. Also called: TTN-related condition; TTN-related disease; TTN-related disorders.
Cardiovascular phenotype. Identifiers: MedGen CN230736.
Autosomal recessive limb-girdle muscular dystrophy type 2J (LGMDR10). Also called: Limb-girdle muscular dystrophy, type 2J; MUSCULAR DYSTROPHY, LIMB-GIRDLE, AUTOSOMAL RECESSIVE 10. Identifiers: Orphanet 140922, MedGen C1837342, MONDO:0012127, OMIM 608807.
Dilated cardiomyopathy 1G (CMD1G). Identifiers: Orphanet 154, MedGen C1858763, MONDO:0011400, OMIM 604145.

Allele frequency attached by ClinVar (database versions not stated): ExAC 0.00001; gnomAD exomes 0.00001; ESP Exome Variant Server 0.00008; TOPMed 0.00009; gnomAD 0.00012 and 0.00013.
gnomAD v4.1: 25 of 1,611,192 alleles (0.0016%); highest among the groups gnomAD compares: African/African-American, 0.031%; no homozygotes.

Submissions (5):

Labcorp Genetics (formerly Invitae), Labcorp
Classification: Likely benign for Dilated cardiomyopathy 1G; Autosomal recessive limb-girdle muscular dystrophy type 2J. Last evaluated: 2026-01-13. Review status: criteria provided, single submitter. Criteria: Invitae Variant Classification Sherloc (09022015). Collection method: clinical testing. Allele origin: germline.

PreventionGenetics, part of Exact Sciences
Classification: Likely benign for TTN-related condition. Last evaluated: 2025-12-09. Review status: criteria provided, single submitter. Criteria: ACMG Guidelines, 2015. Collection method: clinical testing. Allele origin: germline.
Comment: This variant is classified as likely benign based on ACMG/AMP sequence variant interpretation guidelines (Richards et al. 2015 PMID: 25741868, with internal and published modifications).

Revvity Omics, Revvity
Classification: Uncertain significance. Last evaluated: 2021-08-09. Review status: criteria provided, single submitter. Criteria: ACMG Guidelines, 2015. Collection method: clinical testing. Allele origin: germline.

Ambry Genetics
Classification: Likely benign for Cardiovascular phenotype. Last evaluated: 2020-03-03. Review status: criteria provided, single submitter. Criteria: Ambry Variant Classification Scheme 2023. Collection method: clinical testing. Allele origin: germline.

Eurofins Ntd Llc (ga)
Classification: Uncertain significance. Last evaluated: 2017-05-04. Review status: criteria provided, single submitter. Criteria: EGL Classification Definitions 2015. Collection method: clinical testing. Allele origin: germline. Observed: 1 variant allele, 1 heterozygote.

NM_001267550.2(TTN):c.68640G>A (p.Lys22880=)

Genes: TTN (titin; minus strand), TTN-AS1 (TTN antisense RNA 1; plus strand). Cytogenetic location: 2q31.2.
Variant type: single nucleotide variant.
Coding change: c.68640G>A on transcript NM_001267550.2 (MANE Select); coding-DNA position 68640, G replaced by A.
Protein change: p.Lys22880=; no amino-acid change (lysine 22880 retained).
Molecular consequence: synonymous variant.
Genome position (GRCh38, 1-based): chr2:178,577,786, C>T on the plus strand (G>A on the coding strand, the complement: TTN is on the minus strand). VCF-style: chr2-178577786-C-T. GRCh37 (hg19) VCF-style: chr2-179442513-C-T.
Other names: c.63717G>A, p.Lys21239= (NM_001256850.1); c.41445G>A, p.Lys13815= (NM_003319.4); c.60936G>A, p.Lys20312= (NM_133378.4); c.41820G>A, p.Lys13940= (NM_133432.3); c.42021G>A, p.Lys14007= (NM_133437.4).
Identifiers: ClinVar variation 501820 (VCV000501820.19), dbSNP rs370292933, ClinGen allele CA1991060.